The following is an entry in ClinVar:

NM_000392.5(ABCC2):c.1692T>G (p.Val564=)

Gene: ABCC2 (ATP binding cassette subfamily C member 2; plus strand). Cytogenetic location: 10q24.2.
Variant type: single nucleotide variant.
Coding change: c.1692T>G on transcript NM_000392.5 (MANE Select); coding-DNA position 1692, T replaced by G.
Protein change: p.Val564=; no amino-acid change (valine 564 retained).
Molecular consequence: synonymous variant.
Genome position (GRCh38, 1-based): chr10:99,808,106, T>G. VCF-style: chr10-99808106-T-G. GRCh37 (hg19) VCF-style: chr10-101567863-T-G.
Other names: c.1692T>G (NM_000392.4).
Identifiers: ClinVar variation 2972932 (VCV002972932.4), dbSNP rs767240360, ClinGen allele CA5643260.

ClinVar aggregate classification (germline): Likely benign. Review status: criteria provided, multiple submitters, no conflicts (2 of 4 stars). 2 submissions from 2 submitters: Likely benign (2). Last evaluated 2025-03-20.

Conditions:
ABCC2-related disorder. Also called: ABCC2-related condition.

Allele frequency attached by ClinVar (database versions not stated): ExAC 0.00001; gnomAD 0.00001; TOPMed 0.00001; gnomAD exomes 0.00002.

Submissions (2):

PreventionGenetics, part of Exact Sciences
Classification: Likely benign for ABCC2-related condition. Last evaluated: 2025-03-20. Review status: criteria provided, single submitter. Criteria: ACMG Guidelines, 2015. Collection method: clinical testing. Allele origin: germline.
Comment: This variant is classified as likely benign based on ACMG/AMP sequence variant interpretation guidelines (Richards et al. 2015 PMID: 25741868, with internal and published modifications).

Labcorp Genetics (formerly Invitae), Labcorp
Classification: Likely benign. Last evaluated: 2024-01-03. Review status: criteria provided, single submitter. Criteria: Invitae Variant Classification Sherloc (09022015). Collection method: clinical testing. Allele origin: germline.